The following is an entry in ClinVar:

ClinVar aggregate classification (germline): Uncertain significance (1 of 4 stars; one submission).

Conditions:
Hereditary pheochromocytoma and paraganglioma. Also called: Hereditary paragangliomas and pheochromocytomas; Hereditary Paraganglioma-Pheochromocytoma Syndromes; Hereditary pheochromocytoma-paraganglioma. Identifiers: Orphanet 29072, MedGen C4274332, MONDO:0017366.

Submission:

Labcorp Genetics (formerly Invitae), Labcorp
Classification: Uncertain significance for Hereditary pheochromocytoma and paraganglioma. Last evaluated: 2020-11-06. Review status: criteria provided, single submitter. Criteria: Invitae Variant Classification Sherloc (09022015). Collection method: clinical testing. Allele origin: germline.
Comment: In summary, the available evidence is currently insufficient to determine the role of this variant in disease. Therefore, it has been classified as a Variant of Uncertain Significance. Algorithms developed to predict the effect of missense changes on protein structure and function (SIFT, PolyPhen-2, Align-GVGD) all suggest that this variant is likely to be tolerated, but these predictions have not been confirmed by published functional studies and their clinical significance is uncertain. This variant has not been reported in the literature in individuals with TMEM127-related conditions. This sequence change replaces valine with leucine at codon 175 of the TMEM127 protein (p.Val175Leu). The valine residue is highly conserved and there is a small physicochemical difference between valine and leucine. This variant is not present in population databases (ExAC no frequency).

NM_017849.4(TMEM127):c.523G>C (p.Val175Leu)

Gene: TMEM127 (transmembrane protein 127; minus strand). Cytogenetic location: 2q11.2.
Variant type: single nucleotide variant.
Coding change: c.523G>C on transcript NM_017849.4 (MANE Select); coding-DNA position 523, G replaced by C.
Protein change: p.Val175Leu; replaces valine 175 with leucine.
Molecular consequence: missense variant.
Genome position (GRCh38, 1-based): chr2:96,254,002, C>G on the plus strand (G>C on the coding strand, the complement: TMEM127 is on the minus strand). VCF-style: chr2-96254002-C-G. GRCh37 (hg19) VCF-style: chr2-96919740-C-G.
Other names: c.523G>C, p.Val175Leu (NM_001193304.3); short protein forms V175L.
Identifiers: ClinVar variation 1525636 (VCV001525636.8), dbSNP rs149034651, ClinGen allele CA347652553.
Genomic context (GRCh38, chr2:96,254,002, plus strand): 5'-GGTTGGCTGCCGTGGCCAGGATTGAGGCTCCACCAGCTCCTGCCACCAGGTAGAAGCTAA[C>G]GGCGAAGGTGACATAGACCTGGGATCCATGGTACTTCTTATGCTGCTGCTGCTGGGCCAA-3'
Protein context (NP_060319.1, residues 165-185): HGSQVYVTFA[Val175Leu]SFYLVAGAGG